The following is an entry in ClinVar:

ClinVar aggregate classification (germline): Uncertain significance (1 of 4 stars; one submission).

Conditions:
Charcot-Marie-Tooth disease type 4. Also called: Charcot-Marie-Tooth disease, type IV; Charcot-Marie-Tooth, Type 4. Identifiers: Orphanet 64749, MedGen C4082197, MONDO:0018995.

Submission:

Labcorp Genetics (formerly Invitae), Labcorp
Classification: Uncertain significance for Charcot-Marie-Tooth disease type 4. Last evaluated: 2018-07-20. Review status: criteria provided, single submitter. Criteria: Invitae Variant Classification Sherloc (09022015). Collection method: clinical testing. Allele origin: germline.
Comment: This variant results in a copy number gain of the genomic region encompassing the full coding sequence of the NDRG1 gene. The boundaries of this event are unknown as they extend beyond the assayed region for this gene and therefore may encompass additional genes. As the precise location of this event is unknown, it may be in tandem or it may be located elsewhere in the genome. This variant has not been reported in the literature in individuals with NDRG1-related disease. Experimental studies are not available for this variant, and the functional significance of a copy number gain of this gene is currently unknown. In summary, the available evidence is currently insufficient to determine the role of this variant in disease. Therefore, it has been classified as a Variant of Uncertain Significance.

NC_000008.10:g.(?_133141489)_(134296574_?)dup

Genes: PHF20L1 (PHD finger protein 20 like 1; plus strand), SLA (Src like adaptor; minus strand), CCN4 (cellular communication network factor 4; plus strand), DNAAF11 (dynein axonemal assembly factor 11; minus strand), KCNQ3 (potassium voltage-gated channel subfamily Q member 3; minus strand) and 3 more. Cytogenetic location: 8q24.22.
Variant type: Duplication.
Identifiers: ClinVar variation 649641 (VCV000649641.1).